The following is an entry in ClinVar:

NM_005633.4(SOS1):c.445G>A (p.Val149Ile)

Gene: SOS1 (SOS Ras/Rac guanine nucleotide exchange factor 1; minus strand). Cytogenetic location: 2p22.1.
Variant type: single nucleotide variant.
Coding change: c.445G>A on transcript NM_005633.4 (MANE Select); coding-DNA position 445, G replaced by A.
Protein change: p.Val149Ile; replaces valine 149 with isoleucine.
Molecular consequence: missense variant.
Genome position (GRCh38, 1-based): chr2:39,056,767, C>T on the plus strand (G>A on the coding strand, the complement: SOS1 is on the minus strand). VCF-style: chr2-39056767-C-T. GRCh37 (hg19) VCF-style: chr2-39283908-C-T.
Other names: c.445G>A, p.Val149Ile (NM_001382395.1); c.424G>A, p.Val142Ile (NM_001382394.1); short protein forms V142I, V149I.
Identifiers: ClinVar variation 1804174 (VCV001804174.5), dbSNP rs1671228363, ClinGen allele CA346373537.
Genomic context (GRCh38, chr2:39,056,767, plus strand): 5'-CAGCACACATTGCCACTTTAATATCTTGTTTTGTAATTTCATAATGCCGTATATTTCTTA[C>T]ATAATTCCCAACCAGCTTTAAAATGTCTGCAGAAATGTATTCTAAGACTGCTACTATGTA-3'
Protein context (NP_005624.2, residues 139-159): ADILKLVGNY[Val149Ile]RNIRHYEITK

ClinVar aggregate classification (germline): Uncertain significance. Review status: criteria provided, multiple submitters, no conflicts (2 of 4 stars). 2 submissions from 2 submitters: Uncertain significance (2). Last evaluated 2026-10-07.

Conditions:
RASopathy. Also called: Noonan spectrum disorder; rasopathies. Identifiers: Orphanet 536391, MedGen C5555857, MONDO:0021060.
Noonan syndrome 4 (NS4). Also called: SOS1-Related Noonan Syndrome; NOONAN SYNDROME WITH PIGMENTED VILLONODULAR SYNOVITIS. Identifiers: Orphanet 648, MedGen C1853120, MONDO:0012547, OMIM 610733.

Allele frequency attached by ClinVar (database versions not stated): gnomAD 0.00001.
gnomAD v4.1: 1 of 1,599,884 alleles (0.000063%); highest among the groups gnomAD compares: African/African-American, 0.0013%; no homozygotes.

Submissions (2):

Laboratorio de Biologia Molecular - Genetica, Hospital de Pediatria Garrahan
Classification: Uncertain significance for Noonan syndrome 4. Last evaluated: 2026-10-07. Review status: criteria provided, single submitter. Criteria: ACMG Guidelines, 2015. Collection method: clinical testing. Allele origin: maternal. Inheritance: Autosomal dominant inheritance. Affected: yes. Observed: 1 variant allele, 1 heterozygote.
Comment: The variant is not reported in population databases like gnomad and it is not reported in Clinvar or NSEuroNet.

Labcorp Genetics (formerly Invitae), Labcorp
Classification: Uncertain significance for RASopathy. Last evaluated: 2024-03-18. Review status: criteria provided, single submitter. Criteria: Invitae Variant Classification Sherloc (09022015). Collection method: clinical testing. Allele origin: germline.
Comment: This sequence change replaces valine, which is neutral and non-polar, with isoleucine, which is neutral and non-polar, at codon 149 of the SOS1 protein (p.Val149Ile). This variant is not present in population databases (gnomAD no frequency). This variant has not been reported in the literature in individuals affected with SOS1-related conditions. ClinVar contains an entry for this variant (Variation ID: 1804174). Advanced modeling of protein sequence and biophysical properties (such as structural, functional, and spatial information, amino acid conservation, physicochemical variation, residue mobility, and thermodynamic stability) performed at Invitae indicates that this missense variant is expected to disrupt SOS1 protein function with a positive predictive value of 80%. In summary, the available evidence is currently insufficient to determine the role of this variant in disease. Therefore, it has been classified as a Variant of Uncertain Significance.